The following is an entry in ClinVar:

NM_001023570.4(IQCB1):c.692C>T (p.Thr231Ile)

Gene: IQCB1 (IQ motif containing B1; minus strand). Cytogenetic location: 3q13.33.
Variant type: single nucleotide variant.
Coding change: c.692C>T on transcript NM_001023570.4 (MANE Select); coding-DNA position 692, C replaced by T.
Protein change: p.Thr231Ile; replaces threonine 231 with isoleucine.
Molecular consequence: missense variant. On other transcripts: non-coding transcript variant (1), intron variant (1).
Genome position (GRCh38, 1-based): chr3:121,799,270, G>A on the plus strand (C>T on the coding strand, the complement: IQCB1 is on the minus strand). VCF-style: chr3-121799270-G-A. GRCh37 (hg19) VCF-style: chr3-121518117-G-A.
Other names: c.692C>T, p.Thr231Ile (NM_001319107.2); c.587+8074C>T (NM_001023571.4); short protein forms T231I.
Identifiers: ClinVar variation 1470731 (VCV001470731.6), dbSNP rs1278873318, ClinGen allele CA354101773.

ClinVar aggregate classification (germline): Uncertain significance. Review status: criteria provided, multiple submitters, no conflicts (2 of 4 stars). 2 submissions from 2 submitters: Uncertain significance (2). Last evaluated 2022-06-19.

Conditions:
Nephronophthisis. Also called: Juvenile Nephronophthisis. Identifiers: Orphanet 655, MedGen C0687120, MONDO:0019005, HP:0000090.
Senior-Loken syndrome 5 (SLSN5). Identifiers: Orphanet 3156, MedGen C1836517, MONDO:0012225, OMIM 609254.

Allele frequency attached by ClinVar (database versions not stated): gnomAD exomes below 0.00001 and 0.00001; gnomAD 0.00001; TOPMed 0.00001.
gnomAD v4.1: 4 of 1,610,246 alleles (0.00025%); highest among the groups gnomAD compares: Admixed American, 0.0067%; no homozygotes.

Submissions (2):

Labcorp Genetics (formerly Invitae), Labcorp
Classification: Uncertain significance for Nephronophthisis. Last evaluated: 2022-06-19. Review status: criteria provided, single submitter. Criteria: Invitae Variant Classification Sherloc (09022015). Collection method: clinical testing. Allele origin: germline.
Comment: This sequence change replaces threonine, which is neutral and polar, with isoleucine, which is neutral and non-polar, at codon 231 of the IQCB1 protein (p.Thr231Ile). This variant is present in population databases (no rsID available, gnomAD 0.006%). This variant has not been reported in the literature in individuals affected with IQCB1-related conditions. Algorithms developed to predict the effect of missense changes on protein structure and function output the following: SIFT: "Deleterious"; PolyPhen-2: "Benign"; Align-GVGD: "Class C15". The isoleucine amino acid residue is found in multiple mammalian species, which suggests that this missense change does not adversely affect protein function. In summary, the available evidence is currently insufficient to determine the role of this variant in disease. Therefore, it has been classified as a Variant of Uncertain Significance.

Fulgent Genetics
Classification: Uncertain significance for Senior-Loken syndrome 5. Last evaluated: 2021-09-09. Review status: criteria provided, single submitter. Criteria: ACMG Guidelines, 2015. Collection method: clinical testing. Allele origin: unknown.